The following is an entry in ClinVar:

NM_000492.4(CFTR):c.3934G>T (p.Asp1312Tyr)

Gene: CFTR (CF transmembrane conductance regulator; plus strand). Cytogenetic location: 7q31.2.
Variant type: single nucleotide variant.
Coding change: c.3934G>T on transcript NM_000492.4 (MANE Select); coding-DNA position 3934, G replaced by T.
Protein change: p.Asp1312Tyr; replaces aspartic acid 1312 with tyrosine.
Molecular consequence: missense variant.
Genome position (GRCh38, 1-based): chr7:117,652,902, G>T. VCF-style: chr7-117652902-G-T. GRCh37 (hg19) VCF-style: chr7-117292956-G-T.
Other names: short protein forms D1312Y.
Identifiers: ClinVar variation 840302 (VCV000840302.7), dbSNP rs1793109904, ClinGen allele CA368978497.

ClinVar aggregate classification (germline): Uncertain significance. Review status: criteria provided, multiple submitters, no conflicts (2 of 4 stars). 4 submissions from 4 submitters: Uncertain significance (3). 1 of the submissions does not count toward it. Last evaluated 2021-09-29.

Conditions:
Bronchiectasis with or without elevated sweat chloride 1 (BESC1). Also called: Cystic Fibrosis-Like Syndrome. Identifiers: Orphanet 60033, MedGen C2749757, MONDO:0008887, OMIM 211400.
Cystic fibrosis (CF). Also called: MUCOVISCIDOSIS. Identifiers: Orphanet 586, MedGen C0010674, MONDO:0009061, OMIM 219700. Disease mechanism: loss of function.
Hereditary pancreatitis (PCTT). Also called: Hereditary chronic pancreatitis; PRSS1-Related Hereditary Pancreatitis. Identifiers: Orphanet 676, MedGen C0238339, MONDO:0008185, OMIM 167800.
Congenital bilateral aplasia of vas deferens from CFTR mutation (CBAVD). Identifiers: Orphanet 48, MedGen C0403814, MONDO:0010178, OMIM 277180. Disease mechanism: loss of function.

Submissions (4):

Fulgent Genetics
Classification: Uncertain significance for Hereditary pancreatitis; Bronchiectasis with or without elevated sweat chloride 1; Cystic fibrosis; Congenital bilateral aplasia of vas deferens from CFTR mutation. Last evaluated: 2021-09-29. Review status: criteria provided, single submitter. Criteria: ACMG Guidelines, 2015. Collection method: clinical testing. Allele origin: unknown.

Ambry Genetics
Classification: Uncertain significance for Cystic fibrosis. Last evaluated: 2021-09-23. Review status: criteria provided, single submitter. Criteria: Ambry Variant Classification Scheme 2023. Collection method: clinical testing. Allele origin: germline.
Comment: The p.D1312Y variant (also known as c.3934G>T), located in coding exon 24 of the CFTR gene, results from a G to T substitution at nucleotide position 3934. The aspartic acid at codon 1312 is replaced by tyrosine, an amino acid with highly dissimilar properties. This amino acid position is conserved. In addition, this alteration is predicted to be deleterious by in silico analysis. Since supporting evidence is limited at this time, the clinical significance of this alteration remains unclear.

Labcorp Genetics (formerly Invitae), Labcorp
Classification: Uncertain significance for Cystic fibrosis. Last evaluated: 2021-08-31. Review status: criteria provided, single submitter. Criteria: Invitae Variant Classification Sherloc (09022015). Collection method: clinical testing. Allele origin: germline.
Comment: This sequence change replaces aspartic acid with tyrosine at codon 1312 of the CFTR protein (p.Asp1312Tyr). The aspartic acid residue is highly conserved and there is a large physicochemical difference between aspartic acid and tyrosine. This variant is not present in population databases (ExAC no frequency). This variant has not been reported in the literature in individuals affected with CFTR-related conditions. Algorithms developed to predict the effect of missense changes on protein structure and function (SIFT, PolyPhen-2, Align-GVGD) all suggest that this variant is likely to be disruptive. In summary, the available evidence is currently insufficient to determine the role of this variant in disease. Therefore, it has been classified as a Variant of Uncertain Significance.

Natera, Inc.
Classification: Uncertain significance for Cystic Fibrosis. Last evaluated: 2020-09-16. Review status: no assertion criteria provided. Collection method: clinical testing. Allele origin: germline. Not counted in ClinVar's aggregate classification.